The following is an entry in ClinVar:

NM_152490.5(B3GALNT2):c.347A>G (p.Asn116Ser)

Gene: B3GALNT2 (beta-1,3-N-acetylgalactosaminyltransferase 2; minus strand). Cytogenetic location: 1q42.3.
Variant type: single nucleotide variant.
Coding change: c.347A>G on transcript NM_152490.5 (MANE Select); coding-DNA position 347, A replaced by G.
Protein change: p.Asn116Ser; replaces asparagine 116 with serine.
Molecular consequence: missense variant.
Genome position (GRCh38, 1-based): chr1:235,489,182, T>C on the plus strand (A>G on the coding strand, the complement: B3GALNT2 is on the minus strand). VCF-style: chr1-235489182-T-C. GRCh37 (hg19) VCF-style: chr1-235652487-T-C.
Other names: c.470A>G, p.Asn157Ser (NM_001277155.3); short protein forms N116S, N157S.
Identifiers: ClinVar variation 651642 (VCV000651642.6), dbSNP rs1572547857, ClinGen allele CA344928209.

ClinVar aggregate classification (germline): Uncertain significance (1 of 4 stars; one submission).

Conditions:
Muscular dystrophy-dystroglycanopathy (congenital with brain and eye anomalies), type a, 11 (MDDGA11). Also called: Congenital muscular dystrophy-dystroglycanopathy with brain and eye anomalies, type A11; Muscular dystrophy-dystroglycanopathy (congenital with brain and eye anomalies, type A, 11; WALKER-WARBURG SYNDROME OR MUSCLE-EYE-BRAIN DISEASE, B3GALNT2-RELATED. Identifiers: Orphanet 588, Orphanet 899, MedGen C3554638, MONDO:0014071, OMIM 615181.

Allele frequency attached by ClinVar (database versions not stated): gnomAD exomes below 0.00001.
gnomAD v4.1: 1 of 1,613,938 alleles (0.000062%); highest among the groups gnomAD compares: Non-Finnish European, 0.000085%; no homozygotes.

Submission:

Labcorp Genetics (formerly Invitae), Labcorp
Classification: Uncertain significance for Muscular dystrophy-dystroglycanopathy (congenital with brain and eye anomalies), type a, 11. Last evaluated: 2022-07-12. Review status: criteria provided, single submitter. Criteria: Invitae Variant Classification Sherloc (09022015). Collection method: clinical testing. Allele origin: germline.
Comment: In summary, the available evidence is currently insufficient to determine the role of this variant in disease. Therefore, it has been classified as a Variant of Uncertain Significance. Algorithms developed to predict the effect of sequence changes on RNA splicing suggest that this variant may create or strengthen a splice site. Algorithms developed to predict the effect of missense changes on protein structure and function (SIFT, PolyPhen-2, Align-GVGD) all suggest that this variant is likely to be tolerated. ClinVar contains an entry for this variant (Variation ID: 651642). This variant has not been reported in the literature in individuals affected with B3GALNT2-related conditions. This variant is not present in population databases (gnomAD no frequency). This sequence change replaces asparagine, which is neutral and polar, with serine, which is neutral and polar, at codon 116 of the B3GALNT2 protein (p.Asn116Ser).